The following is an entry in ClinVar:

NM_004656.4(BAP1):c.932-8T>C

Gene: BAP1 (BRCA1 associated deubiquitinase 1; minus strand). Cytogenetic location: 3p21.1.
Variant type: single nucleotide variant.
Coding change: c.932-8T>C on transcript NM_004656.4 (MANE Select); 8 bases into the intron before coding-DNA position 932, T replaced by C.
Molecular consequence: intron variant.
Genome position (GRCh38, 1-based): chr3:52,405,302, A>G on the plus strand (T>C on the coding strand, the complement: BAP1 is on the minus strand). VCF-style: chr3-52405302-A-G. GRCh37 (hg19) VCF-style: chr3-52439318-A-G.
Identifiers: ClinVar variation 240069 (VCV000240069.12), dbSNP rs878854743, ClinGen allele CA10582200.
Genomic context (GRCh38, chr3:52,405,302, plus strand): 5'-AGGGCTGTGGGATGGGGCTTGTGCGCATGAACCAGCCGCCTCCTCTGCACCATCTGAGAC[A>G]GGGCAAGAACACAGGCAGGACCTCCAGTAGGATCTCCAAGAAAAGCTCACAGTCTCCCCG-3'

ClinVar aggregate classification (germline): Likely benign. Review status: criteria provided, multiple submitters, no conflicts (2 of 4 stars). 2 submissions from 2 submitters: Likely benign (2). Last evaluated 2025-11-10.

Conditions:
BAP1-related tumor predisposition syndrome (TPDS1). Also called: COMMON Syndrome; TUMOR PREDISPOSITION SYNDROME 1; Tumor susceptibility linked to germline BAP1 mutations; BAP1 tumor predisposition syndrome. Identifiers: Orphanet 289539, MedGen C3280492, MONDO:0013692, OMIM 614327.

Allele frequency attached by ClinVar (database versions not stated): gnomAD exomes below 0.00001; TOPMed 0.00001.
gnomAD v4.1: 3 of 1,613,486 alleles (0.00019%); highest among the groups gnomAD compares: Non-Finnish European, 0.00025%; no homozygotes.

Submissions (2):

Labcorp Genetics (formerly Invitae), Labcorp
Classification: Likely benign for BAP1-related tumor predisposition syndrome. Last evaluated: 2025-11-10. Review status: criteria provided, single submitter. Criteria: Invitae Variant Classification Sherloc (09022015). Collection method: clinical testing. Allele origin: germline.

Myriad Genetics, Inc.
Classification: Likely benign for BAP1-related tumor predisposition syndrome. Last evaluated: 2024-07-15. Review status: criteria provided, single submitter. Criteria: Myriad Autosomal Dominant, Autosomal Recessive and X-Linked Classification Criteria (2023). Collection method: clinical testing. Allele origin: unknown.
Comment: This variant is considered likely benign. This variant is intronic and is not expected to impact mRNA splicing.